The following is an entry in ClinVar:

ClinVar aggregate classification (germline): Uncertain significance (1 of 4 stars; one submission).

Conditions:
Mucopolysaccharidosis, MPS-IV-A (MPS4A). Also called: Mucopolysaccharidosis type IV A; Mucopolysaccharidosis Type IVA; Morquio syndrome A, mild; MORQUIO SYNDROME A; MPS IVA; mucopolysaccharidosis type 4A. Identifiers: Orphanet 309297, Orphanet 582, MedGen C0086651, MONDO:0009659, OMIM 253000.

Allele frequency attached by ClinVar (database versions not stated): gnomAD exomes below 0.00001.

Submission:

Laboratory of Diagnosis and Therapy of Lysosomal Disorders, University of Padova
Classification: Uncertain significance for Mucopolysaccharidosis, MPS-IV-A. Last evaluated: 2021-02-01. Review status: criteria provided, single submitter. Criteria: ACMG Guidelines, 2015. Collection method: curation. Allele origin: germline. Affected: yes.
Comment: Absent from gnomAD v2.1.1 (PM2_moderate); multiple lines of computational evidence support a deleterious effect on the gene (PP3_supporting)

Literature cited by the submitters: PubMed 24726177; PubMed 34387910.

NM_000512.5(GALNS):c.977G>C (p.Trp326Ser)

Gene: GALNS (galactosamine (N-acetyl)-6-sulfatase; minus strand). Cytogenetic location: 16q24.3.
Variant type: single nucleotide variant.
Coding change: c.977G>C on transcript NM_000512.5 (MANE Select); coding-DNA position 977, G replaced by C.
Protein change: p.Trp326Ser; replaces tryptophan 326 with serine.
Molecular consequence: missense variant.
Genome position (GRCh38, 1-based): chr16:88,832,023, C>G on the plus strand (G>C on the coding strand, the complement: GALNS is on the minus strand). VCF-style: chr16-88832023-C-G. GRCh37 (hg19) VCF-style: chr16-88898431-C-G.
Other names: c.422G>C, p.Trp141Ser (NM_001323543.2); c.995G>C, p.Trp332Ser (NM_001323544.2); short protein forms W141S, W326S, W332S.
Identifiers: ClinVar variation 1048319 (VCV001048319.3), dbSNP rs2142999137, ClinGen allele CA397101081.